The following is an entry in ClinVar:

ClinVar aggregate classification (germline): Uncertain significance (1 of 4 stars; one submission).

Allele frequency attached by ClinVar (database versions not stated): TOPMed below 0.00001; gnomAD exomes 0.00001; ExAC 0.00003.
gnomAD v4.1: 11 of 1,610,102 alleles (0.00068%); highest among the groups gnomAD compares: South Asian, 0.01%; no homozygotes.

Submission:

Labcorp Genetics (formerly Invitae), Labcorp
Classification: Uncertain significance. Last evaluated: 2022-06-24. Review status: criteria provided, single submitter. Criteria: Invitae Variant Classification Sherloc (09022015). Collection method: clinical testing. Allele origin: germline.
Comment: This sequence change replaces arginine, which is basic and polar, with glutamine, which is neutral and polar, at codon 991 of the PCDH15 protein (p.Arg991Gln). This variant is present in population databases (rs778587742, gnomAD 0.01%). This variant has not been reported in the literature in individuals affected with PCDH15-related conditions. Algorithms developed to predict the effect of missense changes on protein structure and function are either unavailable or do not agree on the potential impact of this missense change (SIFT: "Deleterious"; PolyPhen-2: "Probably Damaging"; Align-GVGD: "Class C0"). In summary, the available evidence is currently insufficient to determine the role of this variant in disease. Therefore, it has been classified as a Variant of Uncertain Significance.

NM_001384140.1(PCDH15):c.2972G>A (p.Arg991Gln)

Gene: PCDH15 (protocadherin related 15; minus strand). Cytogenetic location: 10q21.1.
Variant type: single nucleotide variant.
Coding change: c.2972G>A on transcript NM_001384140.1 (MANE Select); coding-DNA position 2972, G replaced by A.
Protein change: p.Arg991Gln; replaces arginine 991 with glutamine.
Molecular consequence: missense variant.
Genome position (GRCh38, 1-based): chr10:53,961,789, C>T on the plus strand (G>A on the coding strand, the complement: PCDH15 is on the minus strand). VCF-style: chr10-53961789-C-T. GRCh37 (hg19) VCF-style: chr10-55721549-C-T.
Other names: c.2987G>A, p.Arg996Gln (NM_001142771.2, NM_001142763.2); c.2972G>A, p.Arg991Gln (NM_001142772.2, NM_001354420.2, NM_001354429.2 and 4 more transcripts); c.2906G>A, p.Arg969Gln (NM_001142773.2, NM_001354404.2, NM_001142768.2); c.2993G>A, p.Arg998Gln (NM_001354411.2); c.2759G>A, p.Arg920Gln (NM_001142765.2); c.2861G>A, p.Arg954Gln (NM_001142767.2); c.3008G>A, p.Arg1003Gln (NM_001142769.4); short protein forms R954Q, R1003Q, R996Q, R998Q, R920Q, R969Q, R991Q.
Identifiers: ClinVar variation 2186424 (VCV002186424.1), dbSNP rs778587742, ClinGen allele CA5505864.